The following is an entry in ClinVar:

ClinVar aggregate classification (germline): Likely benign (1 of 4 stars; one submission).

Allele frequency attached by ClinVar (database versions not stated): gnomAD exomes 0.00002; gnomAD 0.00002 and 0.00003; TOPMed 0.00004 and 0.00005; ESP Exome Variant Server 0.00008; ExAC 0.00004.
gnomAD v4.1: 18 of 1,612,418 alleles (0.0011%); highest among the groups gnomAD compares: South Asian, 0.0044%; no homozygotes.

Submission:

GeneDx
Classification: Likely benign. Last evaluated: 2018-02-01. Review status: criteria provided, single submitter. Criteria: GeneDx Variant Classification (06012015). Collection method: clinical testing. Allele origin: germline. Affected: yes.
Comment: This variant is considered likely benign or benign based on one or more of the following criteria: it is a conservative change, it occurs at a poorly conserved position in the protein, it is predicted to be benign by multiple in silico algorithms, and/or has population frequency not consistent with disease.

NM_001267550.2(TTN):c.47128C>T (p.Arg15710Cys)

Genes: TTN (titin; minus strand), TTN-AS1 (TTN antisense RNA 1; plus strand). Cytogenetic location: 2q31.2.
Variant type: single nucleotide variant.
Coding change: c.47128C>T on transcript NM_001267550.2 (MANE Select); coding-DNA position 47128, C replaced by T.
Protein change: p.Arg15710Cys; replaces arginine 15710 with cysteine.
Molecular consequence: missense variant.
Genome position (GRCh38, 1-based): chr2:178,618,330, G>A on the plus strand (C>T on the coding strand, the complement: TTN is on the minus strand). VCF-style: chr2-178618330-G-A. GRCh37 (hg19) VCF-style: chr2-179483057-G-A.
Other names: c.42205C>T, p.Arg14069Cys (NM_001256850.1); c.19933C>T, p.Arg6645Cys (NM_003319.4); c.39424C>T, p.Arg13142Cys (NM_133378.4); c.20308C>T, p.Arg6770Cys (NM_133432.3); c.20509C>T, p.Arg6837Cys (NM_133437.4); short protein forms R14069C, R15710C, R6645C, R13142C, R6770C, R6837C.
Identifiers: ClinVar variation 515330 (VCV000515330.1), dbSNP rs370669650, ClinGen allele CA1995120.